The following is an entry in ClinVar:

ClinVar aggregate classification (germline): Pathogenic. Review status: criteria provided, multiple submitters, no conflicts (2 of 4 stars). 3 submissions from 3 submitters: Pathogenic (2). 1 of the submissions does not count toward it. Last evaluated 2024-03-06.

Conditions:
Hereditary cancer-predisposing syndrome. Also called: Hereditary neoplastic syndrome; Tumor predisposition; Neoplastic Syndromes, Hereditary; Hereditary Cancer Syndrome. Identifiers: Orphanet 140162, MedGen C0027672, MeSH D009386, MONDO:0015356.

Submissions (3):

Clinical Genetics Laboratory, Skane University Hospital Lund
Classification: Pathogenic. Last evaluated: 2024-03-06. Review status: criteria provided, single submitter. Criteria: ACMG Guidelines, 2015. Collection method: clinical testing. Allele origin: germline. Affected: yes.

Ambry Genetics
Classification: Pathogenic for Hereditary cancer-predisposing syndrome. Last evaluated: 2020-12-14. Review status: criteria provided, single submitter. Criteria: Ambry Variant Classification Scheme 2023. Collection method: clinical testing. Allele origin: germline.
Comment: The c.2857delT pathogenic mutation, located in coding exon 9 of the BRCA1 gene, results from a deletion of one nucleotide at nucleotide position 2857, causing a translational frameshift with a predicted alternate stop codon (p.C953Vfs*47). This alteration is expected to result in loss of function by premature protein truncation or nonsense-mediated mRNA decay. As such, this alteration is interpreted as a disease-causing mutation.

Genomic Center, National Cancer Institute
Classification: Likely pathogenic for Hereditary cancer-predisposing syndrome. Review status: no assertion criteria provided. Collection method: case-control. Allele origin: germline. Affected: yes. Not counted in ClinVar's aggregate classification.

NM_007294.4(BRCA1):c.2857del (p.Cys953fs)

Gene: BRCA1 (BRCA1 DNA repair associated; minus strand). Cytogenetic location: 17q21.31.
Variant type: Deletion.
Coding change: c.2857del on transcript NM_007294.4 (MANE Select); coding-DNA position 2857, one base deleted (T; older notation c.2857delT).
Protein change: p.Cys953fs; shifts the reading frame from cysteine 953.
Molecular consequence: frameshift variant. On other transcripts: intron variant (137).
Genome position (GRCh38, 1-based): chr17:43,092,674, A deleted on the plus strand (T on the coding strand, the reverse complement: BRCA1 is on the minus strand); the first of 4 consecutive A bases (chr17:43,092,674-43,092,677); deleting any one gives the same sequence. VCF-style (leftmost placement, unchanged base first): chr17-43092673-CA-C. GRCh37 (hg19) VCF-style: chr17-41244690-CA-C.
Other names: c.2857delT (NM_007294.4, NM_007294.3); c.2644del, p.Cys882fs (NM_001407571.1, NM_001407853.1, NM_001407894.1 and 9 more transcripts); c.2857del, p.Cys953fs (NM_001407581.1, NM_001407582.1, NM_001407583.1 and 30 more transcripts); c.2854del, p.Cys952fs (NM_001407587.1, NM_001407590.1, NM_001407591.1 and 22 more transcripts); c.2848del, p.Cys950fs (NM_001407646.1, NM_001407647.1); c.2734del, p.Cys912fs (NM_001407648.1, NM_001407664.1, NM_001407665.1 and 19 more transcripts); c.2731del, p.Cys911fs (NM_001407649.1, NM_001407670.1, NM_001407671.1 and 11 more transcripts); c.2779del, p.Cys927fs (NM_001407653.1, NM_001407654.1, NM_001407655.1 and 4 more transcripts); and 42 more; short protein forms C906fs, C953fs, C842fs, C885fs, C952fs, C826fs, C864fs, C911fs.
Identifiers: ClinVar variation 1696794 (VCV001696794.5), dbSNP rs397509019, ClinGen allele CA1139771868.